The following is an entry in ClinVar:

NM_000518.5(HBB):c.243C>A (p.Asn81Lys)

Genes: HBB (hemoglobin subunit beta; minus strand), LOC106099062 (HBB recombination region; plus strand), LOC107133510 (origin of replication at HBB; plus strand). Cytogenetic location: 11p15.4.
Variant type: single nucleotide variant.
Coding change: c.243C>A on transcript NM_000518.5 (MANE Select); coding-DNA position 243, C replaced by A.
Protein change: p.Asn81Lys; replaces asparagine 81 with lysine.
Molecular consequence: missense variant.
Genome position (GRCh38, 1-based): chr11:5,226,649, G>T on the plus strand (C>A on the coding strand, the complement: HBB is on the minus strand). VCF-style: chr11-5226649-G-T. GRCh37 (hg19) VCF-style: chr11-5247879-G-T.
Other names: N80K; short protein forms N81K.
Identifiers: ClinVar variation 15177 (VCV000015177.3), dbSNP rs35890380, ClinGen allele CA124865.

ClinVar aggregate classification (germline): Uncertain significance. Review status: criteria provided, single submitter (1 of 4 stars). 3 submissions from 2 submitters: Uncertain significance (1). 2 of the submissions do not count toward it. Last evaluated 2026-05-29.

Conditions:
HEMOGLOBIN G (SZUHU).
HEMOGLOBIN GIFU.

Submissions (3):

Women's Health and Genetics/Laboratory Corporation of America, LabCorp
Classification: Uncertain significance. Last evaluated: 2026-05-29. Review status: criteria provided, single submitter. Criteria: LabCorp Variant Classification Summary - May 2015. Collection method: clinical testing. Allele origin: germline.
Comment: Variant summary: HBB c.243C>A (p.Asn81Lys) results in a non-conservative amino acid change in the encoded protein sequence. Algorithms developed to predict the effect of missense changes on protein structure and function all suggest that this variant is likely to be disruptive. The variant was absent in 251446 control chromosomes. The available data on variant occurrences in the general population are insufficient to allow any conclusion about variant significance. To our knowledge, no occurrence of c.243C>A in individuals affected with HBB-related conditions and no experimental evidence demonstrating its impact on protein function have been reported. ClinVar contains an entry for this variant (Variation ID: 15177). Based on the evidence outlined above, the variant was classified as uncertain significance.

OMIM
Classification: other for HEMOGLOBIN G (SZUHU). Last evaluated: 2017-12-12. Review status: no assertion criteria provided. Collection method: literature only. Allele origin: germline. Not counted in ClinVar's aggregate classification.

OMIM
Classification: other for HEMOGLOBIN GIFU. Last evaluated: 2017-12-12. Review status: no assertion criteria provided. Collection method: literature only. Allele origin: germline. Not counted in ClinVar's aggregate classification.

Literature cited by the submitters: PubMed 5791015 (cited by OMIM); PubMed 5416123 (cited by OMIM); PubMed 1150295 (cited by OMIM); PubMed 8330979 (cited by OMIM); PubMed 3841346 (cited by OMIM); PubMed 1802885 (cited by OMIM).